The following is an entry in ClinVar:

NM_014991.6(WDFY3):c.4622G>C (p.Arg1541Thr)

Gene: WDFY3 (WD repeat and FYVE domain containing 3; minus strand). Cytogenetic location: 4q21.23.
Variant type: single nucleotide variant.
Coding change: c.4622G>C on transcript NM_014991.6 (MANE Select); coding-DNA position 4622, G replaced by C.
Protein change: p.Arg1541Thr; replaces arginine 1541 with threonine.
Molecular consequence: missense variant.
Genome position (GRCh38, 1-based): chr4:84,774,952, C>G on the plus strand (G>C on the coding strand, the complement: WDFY3 is on the minus strand). VCF-style: chr4-84774952-C-G. GRCh37 (hg19) VCF-style: chr4-85696105-C-G.
Other names: short protein forms R1541T.
Identifiers: ClinVar variation 3899167 (VCV003899167.1).

ClinVar aggregate classification (germline): Uncertain significance (1 of 4 stars; one submission).

Submission:

GeneDx
Classification: Uncertain significance. Last evaluated: 2024-11-07. Review status: criteria provided, single submitter. Criteria: GeneDx Variant Classification Process June 2021. Collection method: clinical testing. Allele origin: germline. Affected: yes.
Comment: Not observed at significant frequency in large population cohorts (gnomAD); In silico analysis supports that this missense variant has a deleterious effect on protein structure/function; Has not been previously published as pathogenic or benign to our knowledge